The following is an entry in ClinVar:

ClinVar aggregate classification (germline): Likely benign (0 of 4 stars; one submission).

Conditions:
SETD1B-related disorder. Also called: SETD1B-related condition.

Allele frequency attached by ClinVar (database versions not stated): gnomAD exomes 0.00003; TOPMed 0.00005; gnomAD 0.00006; 1000 Genomes Project 30x 0.00016; 1000 Genomes Project 0.00020; ESP Exome Variant Server 0.00022.
gnomAD v4.1: 45 of 1,550,418 alleles (0.0029%); highest among the groups gnomAD compares: African/African-American, 0.011%; no homozygotes.

Submission:

PreventionGenetics, part of Exact Sciences
Classification: Likely benign for SETD1B-related condition. Last evaluated: 2019-07-10. Review status: no assertion criteria provided. Collection method: clinical testing. Allele origin: germline.
Comment: This variant is classified as likely benign based on ACMG/AMP sequence variant interpretation guidelines (Richards et al. 2015 PMID: 25741868, with internal and published modifications).

NM_001353345.2(SETD1B):c.3327C>T (p.Asp1109=)

Gene: SETD1B (SET domain containing 1B, histone lysine methyltransferase; plus strand). Cytogenetic location: 12q24.31.
Variant type: single nucleotide variant.
Coding change: c.3327C>T on transcript NM_001353345.2 (MANE Select); coding-DNA position 3327, C replaced by T.
Protein change: p.Asp1109=; no amino-acid change (aspartic acid 1109 retained).
Molecular consequence: synonymous variant.
Genome position (GRCh38, 1-based): chr12:121,817,813, C>T. VCF-style: chr12-121817813-C-T. GRCh37 (hg19) VCF-style: chr12-122255719-C-T.
Other names: NM_015048.1:c.3198C>T.
Identifiers: ClinVar variation 3049681 (VCV003049681.2), dbSNP rs370880653, ClinGen allele CA244644592.
Genomic context (GRCh38, chr12:121,817,813, plus strand): 5'-GCCAGACCCTTCGGCTCACCTGTCCCCACTCTTCCTTCTCCCCCAGGATGACGACGATGA[C>T]GACAGTGATGACCGGGACGAGTCTGAGAACGATGACGAGGACACAGCCCTGTCAGAGGCG-3'
Protein context (NP_001340274.1, residues 1099-1119): SSTSDKDDDD[Asp1109=]DSDDRDESEN